The following is an entry in ClinVar:

NM_004456.5(EZH2):c.1176_1177del (p.Glu392fs)

Gene: EZH2 (enhancer of zeste 2 polycomb repressive complex 2 subunit; minus strand). Cytogenetic location: 7q36.1.
Variant type: Deletion.
Coding change: c.1176_1177del on transcript NM_004456.5 (MANE Select); coding-DNA positions 1176 to 1177, 2 bases deleted (AA; older notation c.1176_1177delAA).
Protein change: p.Glu392fs; shifts the reading frame from glutamic acid 392.
Molecular consequence: frameshift variant.
Genome position (GRCh38, 1-based): chr7:148,817,940-148,817,941, TT deleted on the plus strand (AA on the coding strand, the reverse complement: EZH2 is on the minus strand); deleting any 2 consecutive bases within chr7:148,817,940-148,817,942 gives the same sequence; the c. name uses the placement nearest the transcript's 3' end. VCF-style (leftmost placement, unchanged base first): chr7-148817939-GTT-G. GRCh37 (hg19) VCF-style: chr7-148515031-GTT-G.
Other names: c.1161_1162del, p.Glu387fs (NM_001203247.2); c.1134_1135del, p.Glu378fs (NM_001203248.2, NM_001203249.2); c.1175_1176delAA, p.Glu392Aspfs (NM_004456.4); c.1044_1045del, p.Glu348fs (NM_152998.3); short protein forms E348fs, E378fs, E387fs, E392fs.
Identifiers: ClinVar variation 2500539 (VCV002500539.1), dbSNP rs2536683357, ClinGen allele CA645545282.

ClinVar aggregate classification (germline): Uncertain significance (1 of 4 stars; one submission).

Submission:

GeneDx
Classification: Uncertain significance. Last evaluated: 2022-10-27. Review status: criteria provided, single submitter. Criteria: GeneDx Variant Classification Process June 2021. Collection method: clinical testing. Allele origin: germline. Affected: yes.
Comment: Frameshift variant predicted to result in protein truncation or nonsense mediated decay in a gene or region of a gene for which loss of function is not a well-established mechanism of disease; Not observed at significant frequency in large population cohorts (gnomAD); Has not been previously published as pathogenic or benign to our knowledge